The following is an entry in ClinVar:

NM_001127511.3(APC):c.-165G>A

Gene: APC (APC regulator of Wnt signaling pathway; plus strand). Cytogenetic location: 5q22.2.
Variant type: single nucleotide variant.
Coding change: c.-165G>A on transcript NM_001127511.3; 165 bases upstream of the start codon, G replaced by A.
Molecular consequence: 5 prime UTR variant. On other transcripts: non-coding transcript variant (2).
Genome position (GRCh38, 1-based): chr5:112,707,553, G>A. VCF-style: chr5-112707553-G-A. GRCh37 (hg19) VCF-style: chr5-112043250-G-A.
Other names: c.-348G>A (NM_001354895.2, NM_001407447.1, NM_001407452.1 and 3 more transcripts); c.-165G>A (NM_001354897.2, NM_001354902.2, NM_001407446.1); c.-115G>A (NM_001407448.1, NM_001407450.1, NM_001407457.1 and 1 more transcripts); c.-139G>A (NM_001407453.1); c.-1383G>A (NM_001407470.1, NM_001407472.1).
Identifiers: ClinVar variation 653633 (VCV000653633.8), dbSNP rs1580996027, ClinGen allele CA915943581.

ClinVar aggregate classification (germline): Uncertain significance (1 of 4 stars; one submission).

Conditions:
Familial adenomatous polyposis 1 (FAP1). Also called: FAMILIAL ADENOMATOUS POLYPOSIS 1, ATTENUATED; POLYPOSIS, ADENOMATOUS INTESTINAL. Identifiers: MedGen C2713442, MONDO:0021056, OMIM 175100. Disease mechanism: loss of function.

gnomAD v4.1: 1 of 583,302 alleles (0.00017%); highest among the groups gnomAD compares: Non-Finnish European, 0.00028%; no homozygotes.

Submission:

Labcorp Genetics (formerly Invitae), Labcorp
Classification: Uncertain significance for Familial adenomatous polyposis 1. Last evaluated: 2025-10-01. Review status: criteria provided, single submitter. Criteria: Invitae Variant Classification Sherloc (09022015). Collection method: clinical testing. Allele origin: germline.
Comment: This variant occurs in a non-coding region of the APC gene. It does not change the encoded amino acid sequence of the APC protein. This variant is not present in population databases (gnomAD no frequency). This variant has not been reported in the literature in individuals affected with APC-related conditions. ClinVar contains an entry for this variant (Variation ID: 653633). Experimental studies and prediction algorithms are not available or were not evaluated, and the functional significance of this variant is currently unknown. In summary, the available evidence is currently insufficient to determine the role of this variant in disease. Therefore, it has been classified as a Variant of Uncertain Significance.